The following is an entry in ClinVar:

NM_001042492.3(NF1):c.4038_4044del (p.Phe1346fs)

Gene: NF1 (neurofibromin 1; plus strand). Cytogenetic location: 17q11.2.
Variant type: Deletion.
Coding change: c.4038_4044del on transcript NM_001042492.3 (MANE Select); coding-DNA positions 4038 to 4044, 7 bases deleted (CTTCCAT; older notation c.4038_4044delCTTCCAT).
Protein change: p.Phe1346fs; shifts the reading frame from phenylalanine 1346.
Molecular consequence: frameshift variant.
Genome position (GRCh38, 1-based): chr17:31,249,047-31,249,053, CTTCCAT deleted; deleting any 7 consecutive bases within chr17:31,249,046-31,249,053 gives the same sequence; the c. name uses the placement nearest the transcript's 3' end. VCF-style (leftmost placement, unchanged base first): chr17-31249045-TTCTTCCA-T. GRCh37 (hg19) VCF-style: chr17-29576063-TTCTTCCA-T.
Other names: c.4038_4044del, p.Phe1346fs (NM_000267.4); short protein forms F1346fs.
Identifiers: ClinVar variation 4732706 (VCV004732706.1).

ClinVar aggregate classification (germline): Pathogenic (1 of 4 stars; one submission).

Conditions:
Neurofibromatosis, type 1 (NF1). Also called: VON RECKLINGHAUSEN DISEASE; Peripheral type neurofibromatosis; NEUROFIBROMATOSIS, TYPE I, SOMATIC; Neurofibromatosis, type I. Identifiers: Orphanet 636, MedGen C0027831, MONDO:0018975, OMIM 162200. Disease mechanism: loss of function.

Submission:

Labcorp Genetics (formerly Invitae), Labcorp
Classification: Pathogenic for Neurofibromatosis, type 1. Last evaluated: 2025-12-08. Review status: criteria provided, single submitter. Criteria: Invitae Variant Classification Sherloc (09022015). Collection method: clinical testing. Allele origin: germline.
Comment: This sequence change creates a premature translational stop signal (p.Phe1346Leufs*37) in the NF1 gene. It is expected to result in an absent or disrupted protein product. Loss-of-function variants in NF1 are known to be pathogenic (PMID: 10712197, 23913538). This variant is not present in population databases (gnomAD no frequency). This variant has not been reported in the literature in individuals affected with NF1-related conditions. For these reasons, this variant has been classified as Pathogenic.

Literature cited by the submitters: PubMed 10712197; PubMed 23913538.